The following is an entry in ClinVar:

ClinVar aggregate classification (germline): Likely pathogenic (1 of 4 stars; one submission).

Conditions:
Hematuria. Identifiers: MedGen C0018965, HP:0000790.

Submission:

Genetics Laboratory, Great Ormond Street Hospital NHS Foundation Trust, North Thames Genomic Laboratory Hub
Classification: Likely pathogenic for Haematuria. Last evaluated: 2025-08-29. Review status: criteria provided, single submitter. Criteria: ACGS Best Practice Guidelines for Variant Classification in Rare Disease 2024 v1.2. Collection method: clinical testing. Allele origin: germline. Affected: yes.
Comment: PM2_moderate, PM4_moderate, PM1_strong

NM_000091.5(COL4A3):c.1606_1614del (p.Leu536_Gly538del)

Genes: COL4A3 (collagen type IV alpha 3 chain; plus strand), MFF-DT (MFF divergent transcript; minus strand). Cytogenetic location: 2q36.3.
Variant type: Deletion.
Coding change: c.1606_1614del on transcript NM_000091.5 (MANE Select); coding-DNA positions 1606 to 1614, 9 bases deleted (CTTAAAGGA; older notation c.1606_1614delCTTAAAGGA).
Protein change: p.Leu536_Gly538del.
Genome position (GRCh38, 1-based): chr2:227,270,800-227,270,808, CTTAAAGGA deleted; deleting any 9 consecutive bases within chr2:227,270,796-227,270,808 gives the same sequence; the c. name uses the placement nearest the transcript's 3' end. VCF-style (leftmost placement, unchanged base first): chr2-227270795-CAGGACTTAA-C. GRCh37 (hg19) VCF-style: chr2-228135511-CAGGACTTAA-C.
Identifiers: ClinVar variation 4294546 (VCV004294546.1).